The following is an entry in ClinVar:

ClinVar aggregate classification (germline): Uncertain significance (1 of 4 stars; one submission).

Submission:

GeneDx
Classification: Uncertain significance. Last evaluated: 2025-07-17. Review status: criteria provided, single submitter. Criteria: GeneDx Variant Classification Process June 2021. Collection method: clinical testing. Allele origin: germline. Affected: yes.
Comment: Not observed at significant frequency in large population cohorts (gnomAD); In silico analysis suggests that this variant does not alter splicing; Has not been previously published as pathogenic or benign to our knowledge

NM_001348323.3(TRIP12):c.2566_2569del (p.Asn856fs)

Gene: TRIP12 (thyroid hormone receptor interactor 12; minus strand). Cytogenetic location: 2q36.3.
Variant type: Deletion.
Coding change: c.2566_2569del on transcript NM_001348323.3 (MANE Select); coding-DNA positions 2566 to 2569, 4 bases deleted (AATT; older notation c.2566_2569delAATT).
Protein change: p.Asn856fs; shifts the reading frame from asparagine 856.
Molecular consequence: frameshift variant. On other transcripts: intron variant (5).
Genome position (GRCh38, 1-based): chr2:229,805,811-229,805,814, AATT deleted on the plus strand (AATT on the coding strand, the reverse complement: TRIP12 is on the minus strand); deleting any 4 consecutive bases within chr2:229,805,811-229,805,816 gives the same sequence; the c. name uses the placement nearest the transcript's 3' end. VCF-style (leftmost placement, unchanged base first): chr2-229805810-GAATT-G. GRCh37 (hg19) VCF-style: chr2-230670526-GAATT-G.
Other names: c.2440_2443del, p.Asn814fs (NM_001284215.2, NM_001348316.2, NM_001348317.1 and 1 more transcripts); c.1531_1534del, p.Asn511fs (NM_001284216.2); c.2566_2569del, p.Asn856fs (NM_001348319.1, NM_001348320.2, NM_001348322.1 and 4 more transcripts); c.2569_2572del, p.Asn857fs (NM_001348321.1, NM_001348328.1, NM_001348329.2 and 1 more transcripts); c.2479_2482del, p.Asn827fs (NM_001348332.1); c.2353-12_2353-9del (NM_004238.3); c.2371-12_2371-9del (NM_001348331.1); c.2497-12_2497-9del (NM_001284214.2, NM_001348315.2); and 1 more; short protein forms N511fs, N814fs, N827fs, N856fs, N857fs.
Identifiers: ClinVar variation 4686097 (VCV004686097.1).